The following is an entry in ClinVar:

NM_001040108.2(MLH3):c.1075G>A (p.Gly359Ser)

Gene: MLH3 (mutL homolog 3; minus strand). Cytogenetic location: 14q24.3.
Variant type: single nucleotide variant.
Coding change: c.1075G>A on transcript NM_001040108.2 (MANE Select); coding-DNA position 1075, G replaced by A.
Protein change: p.Gly359Ser; replaces glycine 359 with serine.
Molecular consequence: missense variant.
Genome position (GRCh38, 1-based): chr14:75,048,581, C>T on the plus strand (G>A on the coding strand, the complement: MLH3 is on the minus strand). VCF-style: chr14-75048581-C-T. GRCh37 (hg19) VCF-style: chr14-75515284-C-T.
Other names: c.1075G>A, p.Gly359Ser (NM_014381.3); short protein forms G359S.
Identifiers: ClinVar variation 3232423 (VCV003232423.1), dbSNP rs769120072, ClinGen allele CA390447651.
Genomic context (GRCh38, chr14:75,048,581, plus strand): 5'-GAAGAGTAGCATCAAATAAACTAAAACCATTATCTTCACTAAATTCCTTAATATCCTCAC[C>T]TGATAATTCCACAAATAATTTTTCTTGCTTTAAAAACATTTTCACTCCTTCCTGAATGCA-3'
Protein context (NP_001035197.1, residues 349-369): KQEKLFVELS[Gly359Ser]EDIKEFSEDN

ClinVar aggregate classification (germline): Uncertain significance (1 of 4 stars; one submission).

Submission:

Ambry Genetics
Classification: Uncertain significance. Last evaluated: 2024-01-31. Review status: criteria provided, single submitter. Criteria: Ambry Variant Classification Scheme 2023. Collection method: clinical testing. Allele origin: germline.
Comment: The p.G359S variant (also known as c.1075G>A), located in coding exon 1 of the MLH3 gene, results from a G to A substitution at nucleotide position 1075. The glycine at codon 359 is replaced by serine, an amino acid with similar properties. This amino acid position is conserved. In addition, this alteration is predicted to be tolerated by in silico analysis. Based on the available evidence, the clinical significance of this alteration remains unclear.